The following is an entry in ClinVar:

ClinVar aggregate classification (germline): Uncertain significance (1 of 4 stars; one submission).

Conditions:
Glycogen storage disease IXa1. Also called: LIVER GLYCOGENOSIS, X-LINKED, TYPE I; GLYCOGEN STORAGE DISEASE VIII; GSD VIII; Glycogen storage disease 8. Identifiers: Orphanet 264580, MedGen C3694531, MONDO:0010598, OMIM 306000.

gnomAD v4.1: 4 of 1,207,538 alleles (0.00033%); highest among the groups gnomAD compares: African/African-American, 0.007%; no homozygotes.

Submission:

Labcorp Genetics (formerly Invitae), Labcorp
Classification: Uncertain significance for Glycogen storage disease IXa1. Last evaluated: 2025-08-03. Review status: criteria provided, single submitter. Criteria: Invitae Variant Classification Sherloc (09022015). Collection method: clinical testing. Allele origin: germline.
Comment: This sequence change replaces isoleucine, which is neutral and non-polar, with valine, which is neutral and non-polar, at codon 451 of the PHKA2 protein (p.Ile451Val). This variant is present in population databases (no rsID available, gnomAD 0.02%). This variant has not been reported in the literature in individuals affected with PHKA2-related conditions. Invitae Evidence Modeling of protein sequence and biophysical properties (such as structural, functional, and spatial information, amino acid conservation, physicochemical variation, residue mobility, and thermodynamic stability) indicates that this missense variant is not expected to disrupt PHKA2 protein function with a negative predictive value of 80%. In summary, the available evidence is currently insufficient to determine the role of this variant in disease. Therefore, it has been classified as a Variant of Uncertain Significance.

NM_000292.3(PHKA2):c.1351A>G (p.Ile451Val)

Gene: PHKA2 (phosphorylase kinase regulatory subunit alpha 2; minus strand). Cytogenetic location: Xp22.13.
Variant type: single nucleotide variant.
Coding change: c.1351A>G on transcript NM_000292.3 (MANE Select); coding-DNA position 1351, A replaced by G.
Protein change: p.Ile451Val; replaces isoleucine 451 with valine.
Molecular consequence: missense variant.
Genome position (GRCh38, 1-based): chrX:18,926,561, T>C on the plus strand (A>G on the coding strand, the complement: PHKA2 is on the minus strand). VCF-style: chrX-18926561-T-C. GRCh37 (hg19) VCF-style: chrX-18944679-T-C.
Other names: c.1351A>G, p.Ile451Val (NM_001440800.1, NM_001440801.1, NM_001440805.1); c.1252A>G, p.Ile418Val (NM_001440802.1, NM_001440803.1, NM_001440804.1); short protein forms I418V, I451V.
Identifiers: ClinVar variation 4766273 (VCV004766273.1).
Genomic context (GRCh38, chrX:18,926,561, plus strand): 5'-TTGGATGAATGTCCGCGATACTCTGGACGTTCACCCCGTGTTTCCTCAATAAGTCCTTAA[T>C]GTGATTGTTTTCTGCCAAAACAGTAACTGTGAACAAGAACACAGAATGAGCGTTAGCTCA-3'
Protein context (NP_000283.1, residues 441-461): QVTVLAENNH[Ile451Val]KDLLRKHGVN